The following is an entry in ClinVar:

ClinVar aggregate classification (germline): Likely pathogenic. Review status: reviewed by expert panel (3 of 4 stars). 7 submissions from 7 submitters: Likely pathogenic (1). 6 of the submissions do not count toward it. Last evaluated 2026-06-23.

Conditions:
GALT-related disorder. Also called: GALT-related condition.
Galactosemia. Also called: Galactose intolerance. Identifiers: Orphanet 352, MedGen C0016952, MONDO:0018116, HP:0004919. Disease mechanism: loss of function.
Deficiency of UDPglucose-hexose-1-phosphate uridylyltransferase. Also called: Transferase Deficiency Galactosemia; GALACTOSE-1-PHOSPHATE URIDYLYLTRANSFERASE DEFICIENCY; GALACTOSEMIA I; GALT deficiency; Galactosemia, classic. Identifiers: Orphanet 352, Orphanet 79239, MedGen C0268151, MONDO:0009258, OMIM 230400.

Submissions (7):

Clingen Galactosemia Variant Curation Expert Panel, ClinGen
Classification: Likely pathogenic for Galactosemia. Last evaluated: 2026-06-23. Review status: reviewed by expert panel. Criteria: ClinGen Galactosemia ACMG Specifications GALT V1.1. Collection method: curation. Allele origin: germline. Inheritance: Autosomal recessive inheritance.
Comment: The c.41delinsTT (p.Ala14ValfsTer27)(NM_000155.4) variant in GALT is a frameshift variant predicted to cause a premature stop codon in biologically-relevant-exon 1/11 leading to nonsense mediated decay in a gene in which loss-of-function is an established disease mechanism (PVS1; PMIDs:2940989, 22944367). This variant is absent from gnomAD v4 (PM2_Supporting). In summary, this variant meets the criteria to be classified as likely pathogenic for galactosemia based on the ACMG/AMP criteria applied, as specified by the ClinGen Galactosemia VCEP: PVS1; PM2_Supporting (GALT specifications v1.0.0).

PreventionGenetics, part of Exact Sciences
Classification: Pathogenic for GALT-related condition. Last evaluated: 2026-08-14. Review status: criteria provided, single submitter. Criteria: ACMG Guidelines, 2015. Collection method: clinical testing. Allele origin: germline. Not counted in ClinVar's aggregate classification.
Comment: The GALT c.41delinsTT variant is predicted to result in a frameshift and premature protein termination (p.Ala14Valfs*27). To our knowledge, this variant has not been reported in the literature or in a large population database (gnomAD), indicating this variant is rare. Internally, we have observed this variant on the same allele (i.e., in cis) as the Duarte variant (c.-119_-116del) in three individuals from two families. Frameshift variants in GALT are expected to be pathogenic. This variant is interpreted as pathogenic.

Natera, Inc.
Classification: Likely pathogenic for Galactosemia. Last evaluated: 2025-06-27. Review status: criteria provided, single submitter. Criteria: Natera Variant Classification Schema (03/2026). Collection method: clinical testing. Allele origin: germline. Not counted in ClinVar's aggregate classification.
Comment: The c.41delCinsTT variant in GALT is a frameshift variant predicted to shift the reading frame beginning at codon 14 and leads to a stop codon 27 codons downstream. This variant is expected to result in nonsense mediated decay, truncation, or a dysfunctional protein product. This variant is rare in the general population with a frequency below the threshold expected for the associated phenotype(s). Given the available evidence, this variant is classified as Likely Pathogenic.

Labcorp Genetics (formerly Invitae), Labcorp
Classification: Pathogenic for Deficiency of UDPglucose-hexose-1-phosphate uridylyltransferase. Last evaluated: 2023-09-04. Review status: criteria provided, single submitter. Criteria: Invitae Variant Classification Sherloc (09022015). Collection method: clinical testing. Allele origin: germline. Not counted in ClinVar's aggregate classification.
Comment: This variant is not present in population databases (gnomAD no frequency). This sequence change creates a premature translational stop signal (p.Ala14Valfs*27) in the GALT gene. It is expected to result in an absent or disrupted protein product. Loss-of-function variants in GALT are known to be pathogenic (PMID: 22944367). This variant has not been reported in the literature in individuals affected with GALT-related conditions. ClinVar contains an entry for this variant (Variation ID: 1355405). For these reasons, this variant has been classified as Pathogenic.

Baylor Genetics
Classification: Likely pathogenic for Deficiency of UDPglucose-hexose-1-phosphate uridylyltransferase. Last evaluated: 2023-01-12. Review status: criteria provided, single submitter. Criteria: ACMG Guidelines, 2015. Collection method: clinical testing. Allele origin: unknown. Not counted in ClinVar's aggregate classification.

Eurofins Ntd Llc (ga)
Classification: Pathogenic. Last evaluated: 2013-03-15. Review status: criteria provided, single submitter. Criteria: EGL Classification Definitions 2015. Collection method: clinical testing. Allele origin: germline. Observed: 4 variant alleles, 4 heterozygotes. Not counted in ClinVar's aggregate classification.

Counsyl
Classification: Likely pathogenic for Deficiency of UDPglucose-hexose-1-phosphate uridylyltransferase. Last evaluated: 2016-11-03. Review status: no assertion criteria provided. Collection method: clinical testing. Allele origin: unknown. Not counted in ClinVar's aggregate classification.

Literature cited by the submitters: PubMed 22944367 (cited by Labcorp Genetics (formerly Invitae), Labcorp).

NM_000155.4(GALT):c.41delinsTT (p.Ala14fs)

Gene: GALT (galactose-1-phosphate uridylyltransferase; plus strand). Cytogenetic location: 9p13.3.
Variant type: Indel.
Coding change: c.41delinsTT on transcript NM_000155.4 (MANE Select); coding-DNA position 41, C replaced by TT.
Protein change: p.Ala14fs; shifts the reading frame from alanine 14.
Molecular consequence: frameshift variant. On other transcripts: 5 prime UTR variant (1).
Genome position (GRCh38, 1-based): chr9:34,646,745, C replaced by TT. VCF-style: chr9-34646745-C-TT. GRCh37 (hg19) VCF-style: chr9-34646742-C-TT.
Other names: NM_000155.4(GALT):c.41delinsTT; p.Ala14fs; c.-162delinsTT (NM_001258332.2); short protein forms A14fs.
Identifiers: ClinVar variation 25117 (VCV000025117.15), dbSNP rs111033634, ClinGen allele CA259314.